The following is an entry in ClinVar:

ClinVar aggregate classification (germline): Uncertain significance (1 of 4 stars; one submission).

Conditions:
Amyotrophic lateral sclerosis type 1 (ALS1). Also called: AMYOTROPHIC LATERAL SCLEROSIS 1, FAMILIAL. Identifiers: Orphanet 803, MedGen C1862939, MONDO:0007103, OMIM 105400.
Perry syndrome. Also called: PARKINSONISM WITH ALVEOLAR HYPOVENTILATION AND MENTAL DEPRESSION. Identifiers: Orphanet 178509, MedGen C1868594, MONDO:0008201, OMIM 168605.
Neuronopathy, distal hereditary motor, type 7B. Also called: Distal Hereditary Motor Neuronopathy Type 7B (dHMN7B); HMN VIIB; LOWER MOTOR NEURON DISEASE, DYNACTIN TYPE; NEURONOPATHY, DISTAL HEREDITARY MOTOR, AUTOSOMAL DOMINANT 14; NEURONOPATHY, DISTAL HEREDITARY MOTOR, HARDING TYPE VIIB; NEUROPATHY, DISTAL HEREDITARY MOTOR, HARDING TYPE VIIB. Identifiers: Orphanet 139589, MedGen C1843315, MONDO:0011879, OMIM 607641.

Submission:

Labcorp Genetics (formerly Invitae), Labcorp
Classification: Uncertain significance for Amyotrophic lateral sclerosis type 1; Neuronopathy, distal hereditary motor, type 7B; Perry syndrome. Last evaluated: 2022-04-09. Review status: criteria provided, single submitter. Criteria: Invitae Variant Classification Sherloc (09022015). Collection method: clinical testing. Allele origin: germline.
Comment: In summary, the available evidence is currently insufficient to determine the role of this variant in disease. Therefore, it has been classified as a Variant of Uncertain Significance. Variants that disrupt the consensus splice site are a relatively common cause of aberrant splicing (PMID: 17576681, 9536098). Algorithms developed to predict the effect of sequence changes on RNA splicing suggest that this variant may disrupt the consensus splice site. This variant has not been reported in the literature in individuals affected with DCTN1-related conditions. This variant is not present in population databases (gnomAD no frequency). This sequence change affects codon 93 of the DCTN1 mRNA. It is a 'silent' change, meaning that it does not change the encoded amino acid sequence of the DCTN1 protein. This variant also falls at the last nucleotide of exon 2, which is part of the consensus splice site for this exon.

Literature cited by the submitters: PubMed 17576681; PubMed 9536098.

NM_004082.5(DCTN1):c.279G>A (p.Gln93=)

Gene: DCTN1 (dynactin subunit 1; minus strand). Cytogenetic location: 2p13.1.
Variant type: single nucleotide variant.
Coding change: c.279G>A on transcript NM_004082.5 (MANE Select); coding-DNA position 279, G replaced by A.
Protein change: p.Gln93=; no amino-acid change (glutamine 93 retained).
Molecular consequence: synonymous variant. On other transcripts: non-coding transcript variant (1).
Genome position (GRCh38, 1-based): chr2:74,378,000, C>T on the plus strand (G>A on the coding strand, the complement: DCTN1 is on the minus strand). VCF-style: chr2-74378000-C-T. GRCh37 (hg19) VCF-style: chr2-74605127-C-T.
Other names: c.279G>A, p.Gln93= (NM_001135040.3, NM_001190837.2); c.228G>A, p.Gln76= (NM_001190836.2, NM_001378991.1, NM_001378992.1).
Identifiers: ClinVar variation 1513577 (VCV001513577.6), dbSNP rs1675325580, ClinGen allele CA426813908.